The following is an entry in ClinVar:

NM_000426.4(LAMA2):c.4808del (p.Pro1603fs)

Gene: LAMA2 (laminin subunit alpha 2; plus strand). Cytogenetic location: 6q22.33.
Variant type: Deletion.
Coding change: c.4808del on transcript NM_000426.4 (MANE Select); coding-DNA position 4808, one base deleted (C; older notation c.4808delC).
Protein change: p.Pro1603fs; shifts the reading frame from proline 1603.
Molecular consequence: frameshift variant.
Genome position (GRCh38, 1-based): chr6:129,366,309, C deleted; the last of 2 consecutive C bases (chr6:129,366,308-129,366,309); deleting either gives the same sequence. VCF-style (leftmost placement, unchanged base first): chr6-129366307-GC-G. GRCh37 (hg19) VCF-style: chr6-129687452-GC-G.
Other names: c.4808del, p.Pro1603fs (NM_001079823.2); short protein forms P1603fs.
Identifiers: ClinVar variation 3653354 (VCV003653354.2).

ClinVar aggregate classification (germline): Pathogenic (1 of 4 stars; one submission).

Conditions:
LAMA2-related muscular dystrophy (LAMA2-RD). Also called: Laminin alpha 2-related dystrophy. Identifiers: MedGen C5679788, MONDO:0100228.

Submission:

Labcorp Genetics (formerly Invitae), Labcorp
Classification: Pathogenic for LAMA2-related muscular dystrophy. Last evaluated: 2024-06-22. Review status: criteria provided, single submitter. Criteria: Invitae Variant Classification Sherloc (09022015). Collection method: clinical testing. Allele origin: germline.
Comment: This sequence change creates a premature translational stop signal (p.Pro1603Leufs*13) in the LAMA2 gene. It is expected to result in an absent or disrupted protein product. Loss-of-function variants in LAMA2 are known to be pathogenic (PMID: 18700894, 32904964). This variant is not present in population databases (gnomAD no frequency). This variant has not been reported in the literature in individuals affected with LAMA2-related conditions. For these reasons, this variant has been classified as Pathogenic.

Literature cited by the submitters: PubMed 18700894; PubMed 32904964.